The following is an entry in ClinVar:

ClinVar aggregate classification (germline): Likely benign. Review status: criteria provided, multiple submitters, no conflicts (2 of 4 stars). 2 submissions from 2 submitters: Likely benign (2). Last evaluated 2025-12-09.

Conditions:
HYPERHOMOCYSTEINEMIA, THROMBOTIC, CBS-RELATED. Identifiers: MedGen C3150344, OMIM 236200.

gnomAD v4.1: 10 of 1,359,824 alleles (0.00074%); highest among the groups gnomAD compares: Non-Finnish European, 0.00099%; 1 homozygote.

Submissions (2):

Labcorp Genetics (formerly Invitae), Labcorp
Classification: Likely benign for HYPERHOMOCYSTEINEMIA, THROMBOTIC, CBS-RELATED. Last evaluated: 2025-12-09. Review status: criteria provided, single submitter. Criteria: Invitae Variant Classification Sherloc (09022015). Collection method: clinical testing. Allele origin: germline.

GeneDx
Classification: Likely benign. Last evaluated: 2015-10-09. Review status: criteria provided, single submitter. Criteria: GeneDx Variant Classification (06012015). Collection method: clinical testing. Allele origin: germline. Affected: yes.
Comment: This variant is considered likely benign or benign based on one or more of the following criteria: it is a conservative change, it occurs at a poorly conserved position in the protein, it is predicted to be benign by multiple in silico algorithms, and/or has population frequency not consistent with disease.

NM_000071.3(CBS):c.451+20G>A

Gene: CBS (cystathionine beta-synthase; minus strand). Cytogenetic location: 21q22.3.
Variant type: single nucleotide variant.
Coding change: c.451+20G>A on transcript NM_000071.3 (MANE Select); 20 bases into the intron after coding-DNA position 451, G replaced by A.
Molecular consequence: intron variant.
Genome position (GRCh38, 1-based): chr21:43,066,223, C>T on the plus strand (G>A on the coding strand, the complement: CBS is on the minus strand). VCF-style: chr21-43066223-C-T. GRCh37 (hg19) VCF-style: chr21-44486333-C-T.
Other names: c.451+20G>A (NM_001320298.2, NM_001178009.3, NM_001178008.3); c.136+20G>A (NM_001321072.1).
Identifiers: ClinVar variation 380999 (VCV000380999.8), dbSNP rs1057520922, ClinGen allele CA16608082.